The following is an entry in ClinVar:

NM_001621.5(AHR):c.818A>G (p.Gln273Arg)

Gene: AHR (aryl hydrocarbon receptor; plus strand). Cytogenetic location: 7p21.1.
Variant type: single nucleotide variant.
Coding change: c.818A>G on transcript NM_001621.5 (MANE Select); coding-DNA position 818, A replaced by G.
Protein change: p.Gln273Arg; replaces glutamine 273 with arginine.
Molecular consequence: missense variant.
Genome position (GRCh38, 1-based): chr7:17,334,024, A>G. VCF-style: chr7-17334024-A-G. GRCh37 (hg19) VCF-style: chr7-17373648-A-G.
Other names: short protein forms Q273R.
Identifiers: ClinVar variation 1997464 (VCV001997464.4), dbSNP rs2534440495, ClinGen allele CA366892177.
Genomic context (GRCh38, chr7:17,334,024, plus strand): 5'-GGAAAGATGGATCAATACTTCCACCTCAGTTGGCTTTGTTTGCGATAGCTACTCCACTTC[A>G]GCCACCATCCATACTTGAAATCCGGACCAAAAATTTTATCTTTAGAACCAAACACAAACT-3'
Protein context (NP_001612.1, residues 263-283): LALFAIATPL[Gln273Arg]PPSILEIRTK

ClinVar aggregate classification (germline): Uncertain significance (1 of 4 stars; one submission).

Allele frequency attached by ClinVar (database versions not stated): gnomAD exomes 0.00001.
gnomAD v4.1: 11 of 1,613,582 alleles (0.00068%); highest among the groups gnomAD compares: Non-Finnish European, 0.00093%; no homozygotes.

Submission:

Labcorp Genetics (formerly Invitae), Labcorp
Classification: Uncertain significance. Last evaluated: 2022-05-21. Review status: criteria provided, single submitter. Criteria: Invitae Variant Classification Sherloc (09022015). Collection method: clinical testing. Allele origin: germline.
Comment: In summary, the available evidence is currently insufficient to determine the role of this variant in disease. Therefore, it has been classified as a Variant of Uncertain Significance. Algorithms developed to predict the effect of missense changes on protein structure and function are either unavailable or do not agree on the potential impact of this missense change (SIFT: "Tolerated"; PolyPhen-2: "Possibly Damaging"; Align-GVGD: "Class C0"). This variant has not been reported in the literature in individuals affected with AHR-related conditions. This variant is not present in population databases (gnomAD no frequency). This sequence change replaces glutamine, which is neutral and polar, with arginine, which is basic and polar, at codon 273 of the AHR protein (p.Gln273Arg).